The following is an entry in ClinVar:

NM_002599.5(PDE2A):c.1169A>C (p.Lys390Thr)

Genes: PDE2A (phosphodiesterase 2A; minus strand), PDE2A-AS2 (PDE2A antisense RNA 2; plus strand). Cytogenetic location: 11q13.4.
Variant type: single nucleotide variant.
Coding change: c.1169A>C on transcript NM_002599.5 (MANE Select); coding-DNA position 1169, A replaced by C.
Protein change: p.Lys390Thr; replaces lysine 390 with threonine.
Molecular consequence: missense variant.
Genome position (GRCh38, 1-based): chr11:72,586,083, T>G on the plus strand (A>C on the coding strand, the complement: PDE2A is on the minus strand). VCF-style: chr11-72586083-T-G. GRCh37 (hg19) VCF-style: chr11-72297127-T-G.
Other names: c.1106A>C, p.Lys369Thr (NM_001243784.2); c.1148A>C, p.Lys383Thr (NM_001143839.4); c.1142A>C, p.Lys381Thr (NM_001146209.3); short protein forms K369T, K381T, K383T, K390T.
Identifiers: ClinVar variation 2914578 (VCV002914578.3), dbSNP rs2496307064, ClinGen allele CA381760825.

ClinVar aggregate classification (germline): Uncertain significance (1 of 4 stars; one submission).

Submission:

Labcorp Genetics (formerly Invitae), Labcorp
Classification: Uncertain significance. Last evaluated: 2023-05-17. Review status: criteria provided, single submitter. Criteria: Invitae Variant Classification Sherloc (09022015). Collection method: clinical testing. Allele origin: germline.
Comment: This sequence change replaces lysine, which is basic and polar, with threonine, which is neutral and polar, at codon 390 of the PDE2A protein (p.Lys390Thr). This variant is not present in population databases (gnomAD no frequency). This variant has not been reported in the literature in individuals affected with PDE2A-related conditions. An algorithm developed to predict the effect of missense changes on protein structure and function (PolyPhen-2) suggests that this variant is likely to be disruptive. In summary, the available evidence is currently insufficient to determine the role of this variant in disease. Therefore, it has been classified as a Variant of Uncertain Significance.